The following is an entry in ClinVar:

ClinVar aggregate classification (germline): Uncertain significance (1 of 4 stars; one submission).

Conditions:
Hypertrophic cardiomyopathy. Also called: HYPERTROPHIC MYOCARDIOPATHY. Identifiers: Orphanet 217569, MedGen C0007194, MeSH D002312, MONDO:0005045, HP:0001639.

Submission:

All of Us Research Program, National Institutes of Health
Classification: Uncertain significance for Hypertrophic cardiomyopathy. Last evaluated: 2023-03-09. Review status: criteria provided, single submitter. Criteria: ACMG Guidelines, 2015. Collection method: clinical testing. Allele origin: germline. Inheritance: Autosomal dominant inheritance. Observed: 1 variant allele, 1 heterozygote.
Comment: This synonymous variant does not change the amino acid sequence of the MYL2 protein. Splice site prediction tools and conservation analysis are inconclusive regarding the impact of this variant on RNA splicing. To our knowledge, functional studies have not been reported for this variant. This variant has not been reported in individuals affected with cardiovascular disorders in the literature. This variant has not been identified in the general population by the Genome Aggregation Database (gnomAD). The available evidence is insufficient to determine the role of this variant in disease conclusively. Therefore, this variant is classified as a Variant of Uncertain Significance.

This study involves interpretation of variants in research participants for the purpose of population health screening. Participant phenotype was not available at the time of variant classification. Additional details can be found in publication PMID: 35346344, PMCID: PMC8962531

NM_000432.4(MYL2):c.240T>A (p.Thr80=)

Gene: MYL2 (myosin light chain 2; minus strand). Cytogenetic location: 12q24.11.
Variant type: single nucleotide variant.
Coding change: c.240T>A on transcript NM_000432.4 (MANE Select); coding-DNA position 240, T replaced by A.
Protein change: p.Thr80=; no amino-acid change (threonine 80 retained).
Molecular consequence: synonymous variant.
Genome position (GRCh38, 1-based): chr12:110,914,220, A>T on the plus strand (T>A on the coding strand, the complement: MYL2 is on the minus strand). VCF-style: chr12-110914220-A-T. GRCh37 (hg19) VCF-style: chr12-111352024-A-T.
Other names: c.198T>A, p.Thr66= (NM_001406745.1, NM_001406746.1); c.183T>A, p.Thr61= (NM_001406916.1).
Identifiers: ClinVar variation 3075562 (VCV003075562.1), dbSNP rs35714558, ClinGen allele CA243562226.